The following is an entry in ClinVar:

ClinVar aggregate classification (germline): Uncertain significance (1 of 4 stars; one submission).

gnomAD v4.1: 1 of 1,613,976 alleles (0.000062%); highest among the groups gnomAD compares: African/African-American, 0.0013%; no homozygotes.

Submission:

GeneDx
Classification: Uncertain significance. Last evaluated: 2024-09-30. Review status: criteria provided, single submitter. Criteria: GeneDx Variant Classification Process June 2021. Collection method: clinical testing. Allele origin: germline. Affected: yes.
Comment: Not observed at significant frequency in large population cohorts (gnomAD); In silico analysis supports that this missense variant has a deleterious effect on protein structure/function; Has not been previously published as pathogenic or benign to our knowledge

NM_014974.3(DIP2C):c.2410C>T (p.His804Tyr)

Genes: DIP2C (disco interacting protein 2 homolog C; minus strand), LOC126860806 (MED14-independent group 3 enhancer GRCh37_chr10:409736-410935; plus strand). Cytogenetic location: 10p15.3.
Variant type: single nucleotide variant.
Coding change: c.2410C>T on transcript NM_014974.3 (MANE Select); coding-DNA position 2410, C replaced by T.
Protein change: p.His804Tyr; replaces histidine 804 with tyrosine.
Molecular consequence: missense variant.
Genome position (GRCh38, 1-based): chr10:364,441, G>A on the plus strand (C>T on the coding strand, the complement: DIP2C is on the minus strand). VCF-style: chr10-364441-G-A. GRCh37 (hg19) VCF-style: chr10-410381-G-A.
Other names: short protein forms H804Y.
Identifiers: ClinVar variation 3774753 (VCV003774753.1).